The following is an entry in ClinVar:

ClinVar aggregate classification (germline): Benign (1 of 4 stars; one submission).

Conditions:
Familial cancer of breast. Also called: Hereditary breast cancer; hereditary breast carcinoma; BREAST CANCER, FAMILIAL. Identifiers: Orphanet 227535, MedGen C0346153, MONDO:0016419, OMIM 114480. Disease mechanism: loss of function.

Submission:

Myriad Genetics, Inc.
Classification: Benign for Familial cancer of breast. Last evaluated: 2025-01-10. Review status: criteria provided, single submitter. Criteria: Myriad Autosomal Dominant, Autosomal Recessive and X-Linked Classification Criteria (2023). Collection method: clinical testing. Allele origin: unknown.
Comment: This variant is considered benign. This variant is a silent/synonymous amino acid change and it is not expected to impact splicing.

NM_024675.4(PALB2):c.709C>T (p.Leu237=)

Gene: PALB2 (partner and localizer of BRCA2; minus strand). Cytogenetic location: 16p12.2.
Variant type: single nucleotide variant.
Coding change: c.709C>T on transcript NM_024675.4 (MANE Select); coding-DNA position 709, C replaced by T.
Protein change: p.Leu237=; no amino-acid change (leucine 237 retained).
Molecular consequence: synonymous variant. On other transcripts: 5 prime UTR variant (8), intron variant (3).
Genome position (GRCh38, 1-based): chr16:23,635,837, G>A on the plus strand (C>T on the coding strand, the complement: PALB2 is on the minus strand). VCF-style: chr16-23635837-G-A. GRCh37 (hg19) VCF-style: chr16-23647158-G-A.
Other names: c.649C>T, p.Leu217= (NM_001407296.1); c.709C>T, p.Leu237= (NM_001407297.1, NM_001407298.1, NM_001407299.1 and 3 more transcripts); c.-177C>T (NM_001407304.1, NM_001407305.1, NM_001407306.1 and 5 more transcripts); c.48+5273C>T (NM_001407314.1); c.-105+5273C>T (NM_001407313.1, NM_001407312.1).
Identifiers: ClinVar variation 3903830 (VCV003903830.1).